The following is an entry in ClinVar:

NM_032153.6(ZIC4):c.966G>C (p.Ser322=)

Gene: ZIC4 (Zic family zinc finger 4; minus strand). Cytogenetic location: 3q24.
Variant type: single nucleotide variant.
Coding change: c.966G>C on transcript NM_032153.6 (MANE Select); coding-DNA position 966, G replaced by C.
Protein change: p.Ser322=; no amino-acid change (serine 322 retained).
Molecular consequence: synonymous variant. On other transcripts: non-coding transcript variant (3).
Genome position (GRCh38, 1-based): chr3:147,390,969, C>G on the plus strand (G>C on the coding strand, the complement: ZIC4 is on the minus strand). VCF-style: chr3-147390969-C-G. GRCh37 (hg19) VCF-style: chr3-147108756-C-G.
Other names: c.1116G>C, p.Ser372= (NM_001168378.1); c.1080G>C, p.Ser360= (NM_001168379.2); c.348G>C, p.Ser116= (NM_001243256.2).
Identifiers: ClinVar variation 130789 (VCV000130789.14), dbSNP rs17509456, ClinGen allele CA156074.

ClinVar aggregate classification (germline): Benign. Review status: criteria provided, multiple submitters, no conflicts (2 of 4 stars). 4 submissions from 4 submitters: Benign (3). 1 of the submissions does not count toward it. Last evaluated 2026-01-28.

Allele frequency attached by ClinVar (database versions not stated): 1000 Genomes Project 0.01737; 1000 Genomes Project 30x 0.01827; TOPMed 0.02858; ESP Exome Variant Server 0.03229.
gnomAD v4.1: 61,091 of 1,612,086 alleles (3.8%); highest among the groups gnomAD compares: Middle Eastern, 5%; 1,389 homozygotes.

Submissions (4):

Labcorp Genetics (formerly Invitae), Labcorp
Classification: Benign. Last evaluated: 2026-01-28. Review status: criteria provided, single submitter. Criteria: Invitae Variant Classification Sherloc (09022015). Collection method: clinical testing. Allele origin: germline.

Laboratory for Molecular Medicine, Mass General Brigham Personalized Medicine
Classification: Benign. Last evaluated: 2016-03-28. Review status: criteria provided, single submitter. Criteria: LMM Criteria. Collection method: clinical testing. Allele origin: germline.
Comment: Variant identified in a genome or exome case(s) and assessed due to predicted null impact of the variant or pathogenic assertions in the literature or databases. Disclaimer: This variant has not undergone full assessment. The following are preliminary notes: Frequency

Breakthrough Genomics
Classification: Benign. Review status: criteria provided, single submitter. Criteria: ACMG Guidelines, 2015. Collection method: not provided. Allele origin: germline. Inheritance: Unknown mechanism. Affected: yes.

Genetic Services Laboratory, University of Chicago
Classification: Likely benign for AllHighlyPenetrant. Review status: no assertion criteria provided. Collection method: clinical testing. Allele origin: germline. Inheritance: Autosomal dominant inheritance. Not counted in ClinVar's aggregate classification.
Comment: Likely benign based on allele frequency in 1000 Genomes Project or ESP global frequency and its presence in a patient with a rare or unrelated disease phenotype. NOT Sanger confirmed.